The following is an entry in ClinVar:

NM_000179.3(MSH6):c.434A>G (p.Lys145Arg)

Gene: MSH6 (mutS homolog 6; plus strand). Cytogenetic location: 2p16.3.
Variant type: single nucleotide variant.
Coding change: c.434A>G on transcript NM_000179.3 (MANE Select); coding-DNA position 434, A replaced by G.
Protein change: p.Lys145Arg; replaces lysine 145 with arginine.
Molecular consequence: missense variant. On other transcripts: 5 prime UTR variant (2), intron variant (1).
Genome position (GRCh38, 1-based): chr2:47,791,100, A>G. VCF-style: chr2-47791100-A-G. GRCh37 (hg19) VCF-style: chr2-48018239-A-G.
Other names: c.-303A>G (NM_001281493.2, NM_001406811.1, NM_001406823.1 and 1 more transcripts); c.-469A>G (NM_001281494.2); c.530A>G, p.Lys177Arg (NM_001406795.1, NM_001406802.1); c.434A>G, p.Lys145Arg (NM_001406808.1, NM_001406809.1, NM_001406813.1 and 6 more transcripts); c.-561A>G (NM_001406814.1); c.137A>G, p.Lys46Arg (NM_001406818.1, NM_001406819.1, NM_001406820.1 and 10 more transcripts); c.266A>G, p.Lys89Arg (NM_001406826.1); c.238-7511A>G (NM_001281492.2); and 2 more; short protein forms K119R, K46R, K145R, K177R, K89R.
Identifiers: ClinVar variation 1996522 (VCV001996522.4), dbSNP rs2104111299, ClinGen allele CA346737164.

ClinVar aggregate classification (germline): Uncertain significance (1 of 4 stars; one submission).

Conditions:
Hereditary nonpolyposis colorectal neoplasms. Identifiers: MedGen C0009405, MeSH D003123.

Submission:

Labcorp Genetics (formerly Invitae), Labcorp
Classification: Uncertain significance for Hereditary nonpolyposis colorectal neoplasms. Last evaluated: 2022-05-19. Review status: criteria provided, single submitter. Criteria: Invitae Variant Classification Sherloc (09022015). Collection method: clinical testing. Allele origin: germline.
Comment: Advanced modeling of protein sequence and biophysical properties (such as structural, functional, and spatial information, amino acid conservation, physicochemical variation, residue mobility, and thermodynamic stability) performed at Invitae indicates that this missense variant is not expected to disrupt MSH6 protein function. In summary, the available evidence is currently insufficient to determine the role of this variant in disease. Therefore, it has been classified as a Variant of Uncertain Significance. This variant has not been reported in the literature in individuals affected with MSH6-related conditions. This variant is not present in population databases (gnomAD no frequency). This sequence change replaces lysine, which is basic and polar, with arginine, which is basic and polar, at codon 145 of the MSH6 protein (p.Lys145Arg).